The following is an entry in ClinVar:

NM_000038.6(APC):c.2068A>G (p.Arg690Gly)

Gene: APC (APC regulator of Wnt signaling pathway; plus strand). Cytogenetic location: 5q22.2.
Variant type: single nucleotide variant.
Coding change: c.2068A>G on transcript NM_000038.6 (MANE Select); coding-DNA position 2068, A replaced by G.
Protein change: p.Arg690Gly; replaces arginine 690 with glycine.
Molecular consequence: missense variant.
Genome position (GRCh38, 1-based): chr5:112,837,662, A>G. VCF-style: chr5-112837662-A-G. GRCh37 (hg19) VCF-style: chr5-112173359-A-G.
Other names: c.2068A>G, p.Arg690Gly (NM_001127510.3, NM_001354895.2); c.2014A>G, p.Arg672Gly (NM_001127511.3); c.2122A>G, p.Arg708Gly (NM_001354896.2); c.2098A>G, p.Arg700Gly (NM_001354897.2); c.1993A>G, p.Arg665Gly (NM_001354898.2); c.1984A>G, p.Arg662Gly (NM_001354899.2); c.1945A>G, p.Arg649Gly (NM_001354900.2); c.1891A>G, p.Arg631Gly (NM_001354901.2); and 5 more; short protein forms R672G, R690G, R631G, R700G, R407G, R530G, R649G, R662G.
Identifiers: ClinVar variation 573959 (VCV000573959.14), dbSNP rs1561574634, ClinGen allele CA16025842.

ClinVar aggregate classification (germline): Uncertain significance. Review status: criteria provided, multiple submitters, no conflicts (2 of 4 stars). 4 submissions from 4 submitters: Uncertain significance (4). Last evaluated 2025-09-08.

Conditions:
Hereditary cancer-predisposing syndrome. Also called: Neoplastic Syndromes, Hereditary; Hereditary Cancer Syndrome; Tumor predisposition; Hereditary neoplastic syndrome. Identifiers: Orphanet 140162, MedGen C0027672, MeSH D009386, MONDO:0015356.
Familial adenomatous polyposis 1 (FAP1). Also called: POLYPOSIS, ADENOMATOUS INTESTINAL; FAMILIAL ADENOMATOUS POLYPOSIS 1, ATTENUATED. Identifiers: MedGen C2713442, MONDO:0021056, OMIM 175100. Disease mechanism: loss of function.

Allele frequency attached by ClinVar (database versions not stated): gnomAD exomes below 0.00001.
gnomAD v4.1: 1 of 1,614,020 alleles (0.000062%); highest among the groups gnomAD compares: Non-Finnish European, 0.000085%; no homozygotes.

Submissions (4):

Labcorp Genetics (formerly Invitae), Labcorp
Classification: Uncertain significance for Familial adenomatous polyposis 1. Last evaluated: 2025-09-08. Review status: criteria provided, single submitter. Criteria: Invitae Variant Classification Sherloc (09022015). Collection method: clinical testing. Allele origin: germline.
Comment: This sequence change replaces arginine, which is basic and polar, with glycine, which is neutral and non-polar, at codon 690 of the APC protein (p.Arg690Gly). This variant is not present in population databases (gnomAD no frequency). This variant has not been reported in the literature in individuals affected with APC-related conditions. ClinVar contains an entry for this variant (Variation ID: 573959). Invitae Evidence Modeling of protein sequence and biophysical properties (such as structural, functional, and spatial information, amino acid conservation, physicochemical variation, residue mobility, and thermodynamic stability) indicates that this missense variant is not expected to disrupt APC protein function with a negative predictive value of 95%. In summary, the available evidence is currently insufficient to determine the role of this variant in disease. Therefore, it has been classified as a Variant of Uncertain Significance.

Color Diagnostics, LLC DBA Color Health
Classification: Uncertain significance for Hereditary cancer-predisposing syndrome. Last evaluated: 2024-06-13. Review status: criteria provided, single submitter. Criteria: ACMG Guidelines, 2015. Collection method: clinical testing. Allele origin: germline.
Comment: This missense variant replaces arginine with glycine at codon 690 of the APC protein. Computational prediction is inconclusive regarding the impact of this variant on protein structure and function (internally defined REVEL score threshold 0.5 < inconclusive < 0.7, PMID: 27666373). To our knowledge, functional studies have not been reported for this variant. This variant has not been reported in individuals affected with APC-related disorders in the literature. This variant has not been identified in the general population by the Genome Aggregation Database (gnomAD). The available evidence is insufficient to determine the role of this variant in disease conclusively. Therefore, this variant is classified as a Variant of Uncertain Significance.

Baylor Genetics
Classification: Uncertain significance for Familial adenomatous polyposis 1. Last evaluated: 2023-05-26. Review status: criteria provided, single submitter. Criteria: ACMG Guidelines, 2015. Collection method: clinical testing. Allele origin: unknown.

Ambry Genetics
Classification: Uncertain significance for Hereditary cancer-predisposing syndrome. Last evaluated: 2023-01-05. Review status: criteria provided, single submitter. Criteria: Ambry Variant Classification Scheme 2023. Collection method: clinical testing. Allele origin: germline.
Comment: The p.R690G variant (also known as c.2068A>G), located in coding exon 15 of the APC gene, results from an A to G substitution at nucleotide position 2068. The arginine at codon 690 is replaced by glycine, an amino acid with dissimilar properties. This amino acid position is conserved. In addition, in silico predictors for this gene do not accurately predict pathogenicity. Since supporting evidence is limited at this time, the clinical significance of this alteration remains unclear.